The following is an entry in ClinVar:

ClinVar aggregate classification (germline): Benign. Review status: criteria provided, multiple submitters, no conflicts (2 of 4 stars). 3 submissions from 3 submitters: Benign (2). 1 of the submissions does not count toward it. Last evaluated 2026-02-03.

Conditions:
PRUNE1-related disorder. Also called: PRUNE1-related condition.

Allele frequency attached by ClinVar (database versions not stated): gnomAD exomes 0.24284; ExAC 0.25299; gnomAD 0.24210; 1000 Genomes Project 30x 0.26796; 1000 Genomes Project 0.27576; ESP Exome Variant Server 0.23674; TOPMed 0.24596.
gnomAD v4.1: 389,750 of 1,607,318 alleles (24%); highest among the groups gnomAD compares: East Asian, 45%; 48,889 homozygotes.

Submissions (3):

Labcorp Genetics (formerly Invitae), Labcorp
Classification: Benign. Last evaluated: 2026-02-03. Review status: criteria provided, single submitter. Criteria: Invitae Variant Classification Sherloc (09022015). Collection method: clinical testing. Allele origin: germline.

Mayo Clinic Laboratories, Mayo Clinic
Classification: Benign. Last evaluated: 2022-03-24. Review status: criteria provided, single submitter. Criteria: ACMG Guidelines, 2015. Collection method: clinical testing. Allele origin: germline. Observed: 118 variant alleles.

PreventionGenetics, part of Exact Sciences
Classification: Benign for PRUNE1-related condition. Last evaluated: 2019-10-17. Review status: no assertion criteria provided. Collection method: clinical testing. Allele origin: germline. Not counted in ClinVar's aggregate classification.
Comment: This variant is classified as benign based on ACMG/AMP sequence variant interpretation guidelines (Richards et al. 2015 PMID: 25741868, with internal and published modifications).

NM_021222.3(PRUNE1):c.708A>G (p.Lys236=)

Gene: PRUNE1 (prune exopolyphosphatase 1; plus strand). Cytogenetic location: 1q21.3.
Variant type: single nucleotide variant.
Coding change: c.708A>G on transcript NM_021222.3 (MANE Select); coding-DNA position 708, A replaced by G.
Protein change: p.Lys236=; no amino-acid change (lysine 236 retained).
Molecular consequence: synonymous variant. On other transcripts: non-coding transcript variant (4).
Genome position (GRCh38, 1-based): chr1:151,027,261, A>G. VCF-style: chr1-151027261-A-G. GRCh37 (hg19) VCF-style: chr1-150999737-A-G.
Other names: p.Lys236=; c.708A>G (NM_021222.2); c.162A>G, p.Lys54= (NM_001303229.2); c.708A>G, p.Lys236= (NM_001303242.2); c.105A>G, p.Lys35= (NM_001303243.2).
Identifiers: ClinVar variation 2002792 (VCV002002792.7), dbSNP rs11204762, ClinGen allele CA1083856.
Genomic context (GRCh38, chr1:151,027,261, plus strand): 5'-GTTTGACCCCTAGTCTCTCATCTGCTTTCTAGGACTGACCACTGAGCAGATGCTGAGAAA[A>G]GACCAGAAGACTATCTATAGACAAGGCGTCAAGGTGGCCATTAGTGCAATATATATGGAT-3'
Protein context (NP_067045.1, residues 226-246): SGLTTEQMLR[Lys236=]DQKTIYRQGV